The following is an entry in ClinVar:

NC_000016.9:g.(?_81819595)_(81819807_?)dup

Gene: PLCG2 (phospholipase C gamma 2; plus strand). Cytogenetic location: 16q23.3.
Variant type: Duplication.
Identifiers: ClinVar variation 3243511 (VCV003243511.1).

ClinVar aggregate classification (germline): Uncertain significance (1 of 4 stars; one submission).

Conditions:
Familial cold autoinflammatory syndrome 3 (FCAS3). Also called: FAMILIAL ATYPICAL COLD URTICARIA; ANTIBODY DEFICIENCY AND IMMUNE DYSREGULATION, PLCG2-ASSOCIATED. Identifiers: Orphanet 300359, MedGen C3280914, MONDO:0013766, OMIM 614468.

Submission:

Labcorp Genetics (formerly Invitae), Labcorp
Classification: Uncertain significance for Familial cold autoinflammatory syndrome 3. Last evaluated: 2022-11-15. Review status: criteria provided, single submitter. Criteria: Invitae Variant Classification Sherloc (09022015). Collection method: clinical testing. Allele origin: unknown.
Comment: In summary, the available evidence is currently insufficient to determine the role of this variant in disease. Therefore, it has been classified as a Variant of Uncertain Significance. Experimental studies and prediction algorithms are not available or were not evaluated, and the functional significance of this variant is currently unknown. This variant has not been reported in the literature in individuals affected with PLCG2-related conditions. This variant results in a copy number gain of the genomic region encompassing exon(s) 2 of the PLCG2 gene. This region includes the initiator codon of the gene. This copy number gain extends beyond the assayed region for this gene and therefore may encompass additional genes. As the precise location of this event is unknown, it may be in tandem or it may be located elsewhere in the genome.